The following is an entry in ClinVar:

ClinVar aggregate classification (germline): Conflicting classifications of pathogenicity. Review status: criteria provided, conflicting classifications (1 of 4 stars). 3 submissions from 3 submitters: Uncertain significance (1); Benign (1). 1 of the submissions does not count toward it. Last evaluated 2025-10-27.

Conditions:
TUBGCP6-related disorder. Also called: TUBGCP6-related condition.

Allele frequency attached by ClinVar (database versions not stated): ESP Exome Variant Server 0.00008; gnomAD 0.00015 and 0.00016; gnomAD exomes 0.00017 and 0.00032; TOPMed 0.00023; ExAC 0.00024.
gnomAD v4.1: 284 of 1,612,878 alleles (0.018%); highest among the groups gnomAD compares: South Asian, 0.0077%; no homozygotes.

Submissions (3):

Labcorp Genetics (formerly Invitae), Labcorp
Classification: Benign. Last evaluated: 2025-10-27. Review status: criteria provided, single submitter. Criteria: Invitae Variant Classification Sherloc (09022015). Collection method: clinical testing. Allele origin: germline.

Blueprint Genetics
Classification: Uncertain significance. Last evaluated: 2024-11-27. Review status: criteria provided, single submitter. Criteria: ACMG Guidelines, 2015. Collection method: clinical testing. Allele origin: germline.

PreventionGenetics, part of Exact Sciences
Classification: Likely benign for TUBGCP6-related condition. Last evaluated: 2024-08-19. Review status: no assertion criteria provided. Collection method: clinical testing. Allele origin: germline. Not counted in ClinVar's aggregate classification.
Comment: This variant is classified as likely benign based on ACMG/AMP sequence variant interpretation guidelines (Richards et al. 2015 PMID: 25741868, with internal and published modifications).

NM_020461.4(TUBGCP6):c.5113G>A (p.Asp1705Asn)

Gene: TUBGCP6 (tubulin gamma complex component 6; minus strand). Cytogenetic location: 22q13.33.
Variant type: single nucleotide variant.
Coding change: c.5113G>A on transcript NM_020461.4 (MANE Select); coding-DNA position 5113, G replaced by A.
Protein change: p.Asp1705Asn; replaces aspartic acid 1705 with asparagine.
Molecular consequence: missense variant.
Genome position (GRCh38, 1-based): chr22:50,218,244, C>T on the plus strand (G>A on the coding strand, the complement: TUBGCP6 is on the minus strand). VCF-style: chr22-50218244-C-T. GRCh37 (hg19) VCF-style: chr22-50656673-C-T.
Other names: c.5113G>A (NM_020461.3); short protein forms D1705N.
Identifiers: ClinVar variation 1061672 (VCV001061672.12), dbSNP rs202244591, ClinGen allele CA10307180.